The following is an entry in ClinVar:

ClinVar aggregate classification (germline): Likely benign (1 of 4 stars; one submission).

gnomAD v4.1: 22 of 1,613,836 alleles (0.0014%); highest among the groups gnomAD compares: Admixed American, 0.005%; no homozygotes.

Submission:

CeGaT Center for Human Genetics Tuebingen
Classification: Likely benign. Last evaluated: 2026-05-01. Review status: criteria provided, single submitter. Criteria: CeGaT Center For Human Genetics Tuebingen Variant Classification Criteria Version 2. Collection method: clinical testing. Allele origin: germline. Affected: yes. Observed: 1 variant allele.
Comment: XRCC1: BP4, BP7

NM_006297.3(XRCC1):c.1263C>T (p.Ser421=)

Gene: XRCC1 (X-ray repair cross complementing 1; minus strand). Cytogenetic location: 19q13.31.
Variant type: single nucleotide variant.
Coding change: c.1263C>T on transcript NM_006297.3 (MANE Select); coding-DNA position 1263, C replaced by T.
Protein change: p.Ser421=; no amino-acid change (serine 421 retained).
Molecular consequence: synonymous variant.
Genome position (GRCh38, 1-based): chr19:43,546,914, G>A on the plus strand (C>T on the coding strand, the complement: XRCC1 is on the minus strand). VCF-style: chr19-43546914-G-A. GRCh37 (hg19) VCF-style: chr19-44051066-G-A.
Identifiers: ClinVar variation 4873494 (VCV004873494.2).
Genomic context (GRCh38, chr19:43,546,914, plus strand): 5'-CCCTCCCCCACTGGACAGGGGGCATCAGACCTTCTGAGGAAGCTTGGGGGCTTCATCTCC[G>A]CTGCCACCGCTGTGAGAGGCCTCATCCTCCTCACTGCTGGAACCTGGCCCTGCCATGAGG-3'
Protein context (NP_006288.2, residues 411-431): EEDEASHSGG[Ser421=]GDEAPKLPQK